The following is an entry in ClinVar:

ClinVar aggregate classification (germline): Uncertain significance (1 of 4 stars; one submission).

Conditions:
Cardiovascular phenotype. Identifiers: MedGen CN230736.

Submission:

Ambry Genetics
Classification: Uncertain significance for Cardiovascular phenotype. Last evaluated: 2025-05-08. Review status: criteria provided, single submitter. Criteria: Ambry Variant Classification Scheme 2023. Collection method: clinical testing. Allele origin: germline.
Comment: The c.3331_3332delGCinsTT variant (also known as p.A1111F), located in coding exon 22 of the VCL gene, results from an in-frame deletion of GC and insertion of TT at nucleotide positions 3331 to 3332. This results in the substitution of the alanine residue for a phenylalanine residue at codon 1111, an amino acid with dissimilar properties. This amino acid position is highly conserved in available vertebrate species. In addition, the in silico prediction for this variant is inconclusive (Choi Y et al. PLoS ONE. 2012; 7(10):e46688). Based on the available evidence, the clinical significance of this variant remains unclear.

NM_014000.3(VCL):c.3331_3332delinsTT (p.Ala1111Phe)

Gene: VCL (vinculin; plus strand). Cytogenetic location: 10q22.2.
Variant type: Indel.
Coding change: c.3331_3332delinsTT on transcript NM_014000.3 (MANE Select); coding-DNA positions 3331 to 3332, GC replaced by TT.
Protein change: p.Ala1111Phe; replaces alanine 1111 with phenylalanine.
Molecular consequence: missense variant.
Genome position (GRCh38, 1-based): chr10:74,118,095-74,118,096, GC replaced by TT. VCF-style: chr10-74118095-GC-TT. GRCh37 (hg19) VCF-style: chr10-75877853-GC-TT.
Other names: c.3127_3128delinsTT, p.Ala1043Phe (NM_003373.4); short protein forms A1043F, A1111F.
Identifiers: ClinVar variation 3979536 (VCV003979536.1).